The following is an entry in ClinVar:

ClinVar aggregate classification (germline): Uncertain significance (1 of 4 stars; one submission).

Conditions:
Cardiovascular phenotype. Identifiers: MedGen CN230736.
Hereditary cancer-predisposing syndrome. Also called: Hereditary neoplastic syndrome; Neoplastic Syndromes, Hereditary; Tumor predisposition; Hereditary Cancer Syndrome. Identifiers: Orphanet 140162, MedGen C0027672, MeSH D009386, MONDO:0015356.

Submission:

Ambry Genetics
Classification: Uncertain significance for Cardiovascular phenotype; Hereditary cancer-predisposing syndrome. Last evaluated: 2025-07-22. Review status: criteria provided, single submitter. Criteria: Ambry Variant Classification Scheme 2023. Collection method: clinical testing. Allele origin: germline.
Comment: The p.L2002F variant (also known as c.6006G>T), located in coding exon 40 of the NF1 gene, results from a G to T substitution at nucleotide position 6006. The leucine at codon 2002 is replaced by phenylalanine, an amino acid with highly similar properties. This amino acid position is highly conserved in available vertebrate species. In addition, this alteration is predicted to be deleterious by in silico analysis. Based on the available evidence, the clinical significance of this variant remains unclear.

NM_001042492.3(NF1):c.6069G>T (p.Leu2023Phe)

Gene: NF1 (neurofibromin 1; plus strand). Cytogenetic location: 17q11.2.
Variant type: single nucleotide variant.
Coding change: c.6069G>T on transcript NM_001042492.3 (MANE Select); coding-DNA position 6069, G replaced by T.
Protein change: p.Leu2023Phe; replaces leucine 2023 with phenylalanine.
Molecular consequence: missense variant.
Genome position (GRCh38, 1-based): chr17:31,336,395, G>T. VCF-style: chr17-31336395-G-T. GRCh37 (hg19) VCF-style: chr17-29663413-G-T.
Other names: c.6006G>T, p.Leu2002Phe (NM_000267.4); short protein forms L2023F, L2002F.
Identifiers: ClinVar variation 4119110 (VCV004119110.1).